The following is an entry in ClinVar:

NM_005006.7(NDUFS1):c.1658G>A (p.Gly553Asp)

Gene: NDUFS1 (NADH:ubiquinone oxidoreductase core subunit S1; minus strand). Cytogenetic location: 2q33.3.
Variant type: single nucleotide variant.
Coding change: c.1658G>A on transcript NM_005006.7 (MANE Select); coding-DNA position 1658, G replaced by A.
Protein change: p.Gly553Asp; replaces glycine 553 with aspartic acid.
Molecular consequence: missense variant.
Genome position (GRCh38, 1-based): chr2:206,130,138, C>T on the plus strand (G>A on the coding strand, the complement: NDUFS1 is on the minus strand). VCF-style: chr2-206130138-C-T. GRCh37 (hg19) VCF-style: chr2-206994862-C-T.
Other names: c.1550G>A, p.Gly517Asp (NM_001199981.2); c.1325G>A, p.Gly442Asp (NM_001199982.2); c.1487G>A, p.Gly496Asp (NM_001199983.2); c.1700G>A, p.Gly567Asp (NM_001199984.2); short protein forms G442D, G496D, G517D, G553D, G567D.
Identifiers: ClinVar variation 4292034 (VCV004292034.1).

ClinVar aggregate classification (germline): Uncertain significance (1 of 4 stars; one submission).

Conditions:
Mitochondrial complex I deficiency, nuclear type 5. Also called: Mitochondrial complex 1 deficiency, nuclear type 5. Identifiers: MedGen C4748754, MONDO:0032610, OMIM 618226.

gnomAD v4.1: 13 of 1,613,998 alleles (0.00081%); highest among the groups gnomAD compares: South Asian, 0.0066%; no homozygotes.

Submission:

3billion
Classification: Uncertain significance for Mitochondrial complex I deficiency, nuclear type 5. Last evaluated: 2024-11-26. Review status: criteria provided, single submitter. Criteria: ACMG Guidelines, 2015. Collection method: clinical testing. Allele origin: germline. Affected: yes.
Comment: The variant is observed at an extremely low frequency in the gnomAD v4.1.0 dataset (total allele frequency: <0.001%). Predicted Consequence/Location: Missense variant In silico tool predictions suggest damaging effect of the variant on gene or gene product [REVEL: 0.74 (>=0.6, sensitivity 0.68 and specificity 0.92)]. Therefore, this variant is classified as VUS according to the recommendation of ACMG/AMP guideline.